The following is an entry in ClinVar:

ClinVar aggregate classification (germline): Uncertain significance. Review status: criteria provided, multiple submitters, no conflicts (2 of 4 stars). 2 submissions from 2 submitters: Uncertain significance (2). Last evaluated 2026-03-04.

Conditions:
Inborn genetic diseases. Identifiers: MedGen C0950123, MeSH D030342.
KIDINS220-related disorder. Also called: KIDINS220-related condition.

gnomAD v4.1: 13 of 1,614,080 alleles (0.00081%); highest among the groups gnomAD compares: African/African-American, 0.0067%; no homozygotes.

Submissions (2):

PreventionGenetics, part of Exact Sciences
Classification: Uncertain significance for KIDINS220-related condition. Last evaluated: 2026-03-04. Review status: criteria provided, single submitter. Criteria: ACMG Guidelines, 2015. Collection method: clinical testing. Allele origin: germline.
Comment: The KIDINS220 c.5216G>A variant is predicted to result in the amino acid substitution p.Arg1739His. To our knowledge, this variant has not been reported in the literature. This variant is reported in 0.011% of alleles in individuals of African descent in gnomAD. At this time, the clinical significance of this variant is uncertain due to the absence of conclusive functional and genetic evidence.

Ambry Genetics
Classification: Uncertain significance for Inborn genetic diseases. Last evaluated: 2024-05-07. Review status: criteria provided, single submitter. Criteria: Ambry Variant Classification Scheme 2023. Collection method: clinical testing. Allele origin: germline.

NM_020738.4(KIDINS220):c.5216G>A (p.Arg1739His)

Gene: KIDINS220 (kinase D interacting substrate 220; minus strand). Cytogenetic location: 2p25.1.
Variant type: single nucleotide variant.
Coding change: c.5216G>A on transcript NM_020738.4 (MANE Select); coding-DNA position 5216, G replaced by A.
Protein change: p.Arg1739His; replaces arginine 1739 with histidine.
Molecular consequence: missense variant. On other transcripts: intron variant (6).
Genome position (GRCh38, 1-based): chr2:8,730,820, C>T on the plus strand (G>A on the coding strand, the complement: KIDINS220 is on the minus strand). VCF-style: chr2-8730820-C-T. GRCh37 (hg19) VCF-style: chr2-8870950-C-T.
Other names: c.5219G>A, p.Arg1740His (NM_001348729.2); c.5162G>A, p.Arg1721His (NM_001348731.2); c.5159G>A, p.Arg1720His (NM_001348732.2); c.5048G>A, p.Arg1683His (NM_001348734.2); c.5045G>A, p.Arg1682His (NM_001348735.2); c.4919G>A, p.Arg1640His (NM_001348736.2); c.3882+2624G>A (NM_001348741.2, NM_001348742.2, NM_001348743.2); c.3996+2624G>A (NM_001348738.2); and 1 more; short protein forms R1640H, R1721H, R1739H, R1682H, R1683H, R1720H, R1740H.
Identifiers: ClinVar variation 3288244 (VCV003288244.2).